The following is an entry in ClinVar:

NM_015557.3(CHD5):c.2402C>T (p.Ala801Val)

Gene: CHD5 (chromodomain helicase DNA binding protein 5; minus strand). Cytogenetic location: 1p36.31.
Variant type: single nucleotide variant.
Coding change: c.2402C>T on transcript NM_015557.3 (MANE Select); coding-DNA position 2402, C replaced by T.
Protein change: p.Ala801Val; replaces alanine 801 with valine.
Molecular consequence: missense variant.
Genome position (GRCh38, 1-based): chr1:6,142,162, G>A on the plus strand (C>T on the coding strand, the complement: CHD5 is on the minus strand). VCF-style: chr1-6142162-G-A. GRCh37 (hg19) VCF-style: chr1-6202222-G-A.
Other names: short protein forms A801V.
Identifiers: ClinVar variation 1346945 (VCV001346945.6), dbSNP rs2100857044, ClinGen allele CA338079932.

ClinVar aggregate classification (germline): Uncertain significance (1 of 4 stars; one submission).

Submission:

Labcorp Genetics (formerly Invitae), Labcorp
Classification: Uncertain significance. Last evaluated: 2021-08-18. Review status: criteria provided, single submitter. Criteria: Invitae Variant Classification Sherloc (09022015). Collection method: clinical testing. Allele origin: germline.
Comment: This sequence change replaces alanine with valine at codon 801 of the CHD5 protein (p.Ala801Val). The alanine residue is highly conserved and there is a small physicochemical difference between alanine and valine. This variant is not present in population databases (ExAC no frequency). This variant has not been reported in the literature in individuals affected with CHD5-related conditions. Algorithms developed to predict the effect of missense changes on protein structure and function (SIFT, PolyPhen-2, Align-GVGD) all suggest that this variant is likely to be disruptive. In summary, the available evidence is currently insufficient to determine the role of this variant in disease. Therefore, it has been classified as a Variant of Uncertain Significance.